The following is an entry in ClinVar:

NM_000340.2(SLC2A2):c.1280del (p.Phe427fs)

Gene: SLC2A2 (solute carrier family 2 member 2; minus strand). Cytogenetic location: 3q26.2.
Variant type: Deletion.
Coding change: c.1280del on transcript NM_000340.2 (MANE Select); coding-DNA position 1280, one base deleted (T; older notation c.1280delT).
Protein change: p.Phe427fs; shifts the reading frame from phenylalanine 427.
Molecular consequence: frameshift variant.
Genome position (GRCh38, 1-based): chr3:170,998,287, A deleted on the plus strand (T on the coding strand, the reverse complement: SLC2A2 is on the minus strand); the first of 5 consecutive A bases (chr3:170,998,287-170,998,291); deleting any one gives the same sequence. VCF-style (leftmost placement, unchanged base first): chr3-170998286-GA-G. GRCh37 (hg19) VCF-style: chr3-170716075-GA-G.
Other names: c.923del, p.Phe308fs (NM_001278658.2); c.761del, p.Phe254fs (NM_001278659.2); short protein forms F308fs, F254fs, F427fs.
Identifiers: ClinVar variation 1355333 (VCV001355333.6), dbSNP rs1386374799, ClinGen allele CA548333466.

ClinVar aggregate classification (germline): Pathogenic (1 of 4 stars; one submission).

Conditions:
Fanconi-Bickel syndrome (FBS). Also called: FANCONI SYNDROME WITH INTESTINAL MALABSORPTION AND GALACTOSE INTOLERANCE; HEPATIC GLYCOGENOSIS WITH AMINO ACIDURIA AND GLUCOSURIA; HEPATIC GLYCOGENOSIS WITH FANCONI NEPHROPATHY; HEPATORENAL GLYCOGENOSIS WITH RENAL FANCONI SYNDROME; Glycogen storage disease due to GLUT2 deficiency; PSEUDO-PHLORIZIN DIABETES. Identifiers: Orphanet 2088, MedGen C3495427, MONDO:0009216, OMIM 227810.

Submission:

Labcorp Genetics (formerly Invitae), Labcorp
Classification: Pathogenic for Fanconi-Bickel syndrome. Last evaluated: 2021-03-10. Review status: criteria provided, single submitter. Criteria: Invitae Variant Classification Sherloc (09022015). Collection method: clinical testing. Allele origin: germline.
Comment: This variant is not present in population databases (ExAC no frequency). This sequence change creates a premature translational stop signal (p.Phe427Serfs*10) in the SLC2A2 gene. It is expected to result in an absent or disrupted protein product. Loss-of-function variants in SLC2A2 are known to be pathogenic (PMID: 11810292). This variant has not been reported in the literature in individuals with SLC2A2-related conditions. For these reasons, this variant has been classified as Pathogenic.

Literature cited by the submitters: PubMed 11810292.